The following is an entry in ClinVar:

NM_002160.4(TNC):c.156C>T (p.His52=)

Gene: TNC (tenascin C; minus strand). Cytogenetic location: 9q33.1.
Variant type: single nucleotide variant.
Coding change: c.156C>T on transcript NM_002160.4 (MANE Select); coding-DNA position 156, C replaced by T.
Protein change: p.His52=; no amino-acid change (histidine 52 retained).
Molecular consequence: synonymous variant.
Genome position (GRCh38, 1-based): chr9:115,090,863, G>A on the plus strand (C>T on the coding strand, the complement: TNC is on the minus strand). VCF-style: chr9-115090863-G-A. GRCh37 (hg19) VCF-style: chr9-117853142-G-A.
Identifiers: ClinVar variation 786576 (VCV000786576.17), dbSNP rs7038329, ClinGen allele CA5209133.

ClinVar aggregate classification (germline): Benign/Likely benign. Review status: criteria provided, multiple submitters, no conflicts (2 of 4 stars). 6 submissions from 6 submitters: Benign (4); Likely benign (2). Last evaluated 2025-07-01.

Conditions:
Autosomal dominant nonsyndromic hearing loss 56. Also called: Deafness, autosomal dominant 56. Identifiers: Orphanet 90635, MedGen C3810170, MONDO:0014283, OMIM 615629.

Allele frequency attached by ClinVar (database versions not stated): gnomAD exomes 0.00125; ExAC 0.00154; gnomAD 0.00401 and 0.00426; TOPMed 0.00422; ESP Exome Variant Server 0.00423; 1000 Genomes Project 0.00479; 1000 Genomes Project 30x 0.00531.
gnomAD v4.1: 1,373 of 1,614,216 alleles (0.085%); highest among the groups gnomAD compares: African/African-American, 1.2%; 8 homozygotes.

Submissions (6):

CeGaT Center for Human Genetics Tuebingen
Classification: Likely benign. Last evaluated: 2025-07-01. Review status: criteria provided, single submitter. Criteria: CeGaT Center For Human Genetics Tuebingen Variant Classification Criteria Version 2. Collection method: clinical testing. Allele origin: germline. Affected: yes. Observed: 1 variant allele.
Comment: TNC: BP4, BP7, BS1

Blueprint Genetics
Classification: Likely benign. Last evaluated: 2024-10-03. Review status: criteria provided, single submitter. Criteria: ACMG Guidelines, 2015. Collection method: clinical testing. Allele origin: germline.

Genome-Nilou Lab
Classification: Benign for Autosomal dominant nonsyndromic hearing loss 56. Last evaluated: 2022-03-15. Review status: criteria provided, single submitter. Criteria: ACMG Guidelines, 2015. Collection method: clinical testing. Allele origin: germline. Affected: no.

GeneDx
Classification: Benign. Last evaluated: 2020-02-06. Review status: criteria provided, single submitter. Criteria: GeneDx Variant Classification Process June 2021. Collection method: clinical testing. Allele origin: germline. Affected: yes.

Labcorp Genetics (formerly Invitae), Labcorp
Classification: Benign. Last evaluated: 2019-12-31. Review status: criteria provided, single submitter. Criteria: Invitae Variant Classification Sherloc (09022015). Collection method: clinical testing. Allele origin: germline.

Breakthrough Genomics
Classification: Benign. Review status: criteria provided, single submitter. Criteria: ACMG Guidelines, 2015. Collection method: not provided. Allele origin: germline. Inheritance: Autosomal dominant inheritance. Affected: yes.